The following is an entry in ClinVar:

ClinVar aggregate classification (germline): Conflicting classifications of pathogenicity. Review status: criteria provided, conflicting classifications (1 of 4 stars). 3 submissions from 3 submitters: Uncertain significance (1); Likely benign (1). 1 of the submissions does not count toward it. Last evaluated 2025-07-20.

Conditions:
ALDOA-related disorder. Also called: ALDOA-related condition.
HNSHA due to aldolase A deficiency (GSD12). Also called: GSD XII; RED CELL ALDOLASE DEFICIENCY; Glycogen storage disease due to aldolase A deficiency; GLYCOGEN STORAGE DISEASE XII. Identifiers: Orphanet 57, MedGen C0272066, MONDO:0012747, OMIM 611881.

Allele frequency attached by ClinVar (database versions not stated): gnomAD 0.00001 and 0.00005; TOPMed 0.00001; 1000 Genomes Project 30x 0.00016; 1000 Genomes Project 0.00020; ExAC 0.00027.
gnomAD v4.1: 205 of 1,614,160 alleles (0.013%); highest among the groups gnomAD compares: South Asian, 0.21%; 2 homozygotes.

Submissions (3):

Labcorp Genetics (formerly Invitae), Labcorp
Classification: Likely benign for HNSHA due to aldolase A deficiency. Last evaluated: 2025-07-20. Review status: criteria provided, single submitter. Criteria: Invitae Variant Classification Sherloc (09022015). Collection method: clinical testing. Allele origin: germline.

Mayo Clinic Laboratories, Mayo Clinic
Classification: Uncertain significance. Last evaluated: 2021-09-14. Review status: criteria provided, single submitter. Criteria: ACMG Guidelines, 2015. Collection method: clinical testing. Allele origin: germline.

PreventionGenetics, part of Exact Sciences
Classification: Likely benign for ALDOA-related condition. Last evaluated: 2022-10-03. Review status: no assertion criteria provided. Collection method: clinical testing. Allele origin: germline. Not counted in ClinVar's aggregate classification.
Comment: This variant is classified as likely benign based on ACMG/AMP sequence variant interpretation guidelines (Richards et al. 2015 PMID: 25741868, with internal and published modifications).

NM_001243177.4(ALDOA):c.996G>C (p.Glu332Asp)

Genes: ALDOA (aldolase, fructose-bisphosphate A; plus strand), LOC112694756 (uncharaterized LOC112694756; plus strand). Cytogenetic location: 16p11.2.
Variant type: single nucleotide variant.
Coding change: c.996G>C on transcript NM_001243177.4 (MANE Select); coding-DNA position 996, G replaced by C.
Protein change: p.Glu332Asp; replaces glutamic acid 332 with aspartic acid.
Molecular consequence: missense variant. On other transcripts: 3 prime UTR variant (3).
Genome position (GRCh38, 1-based): chr16:30,069,864, G>C. VCF-style: chr16-30069864-G-C. GRCh37 (hg19) VCF-style: chr16-30081185-G-C.
Other names: NM_000034.3:c.834G>C; p.Glu278Asp; c.*1343G>C (NM_001365304.2, NM_001365305.2, NM_001365307.2); c.834G>C, p.Glu278Asp (NM_001127617.2, NM_184041.5, NM_184043.2); short protein forms E332D, E278D.
Identifiers: ClinVar variation 559007 (VCV000559007.13), dbSNP rs565013143, ClinGen allele CA8001180.